The following is an entry in ClinVar:

ClinVar aggregate classification (germline): Uncertain significance (1 of 4 stars; one submission).

Conditions:
Hypertrophic cardiomyopathy. Also called: HYPERTROPHIC MYOCARDIOPATHY. Identifiers: Orphanet 217569, MedGen C0007194, MeSH D002312, MONDO:0005045, HP:0001639.

Submission:

Labcorp Genetics (formerly Invitae), Labcorp
Classification: Uncertain significance for Hypertrophic cardiomyopathy. Last evaluated: 2021-04-04. Review status: criteria provided, single submitter. Criteria: Invitae Variant Classification Sherloc (09022015). Collection method: clinical testing. Allele origin: germline.
Comment: This variant has been observed in individual(s) with hyperCKemia, myalgia, and exercise intolerance (PMID: 31517061). This variant is not present in population databases (ExAC no frequency). This sequence change creates a premature translational stop signal (p.Glu1264Argfs*34) in the MYH7 gene. It is expected to result in an absent or disrupted protein product. However, the current clinical and genetic evidence is not sufficient to establish whether loss-of-function variants in MYH7 cause disease. In summary, the available evidence is currently insufficient to determine the role of this variant in disease. Therefore, it has been classified as a Variant of Uncertain Significance.

Literature cited by the submitters: PubMed 31517061.

NM_000257.4(MYH7):c.3790del (p.Glu1264fs)

Gene: MYH7 (myosin heavy chain 7; minus strand). Cytogenetic location: 14q11.2.
Variant type: Deletion.
Coding change: c.3790del on transcript NM_000257.4 (MANE Select); coding-DNA position 3790, one base deleted (G; older notation c.3790delG).
Protein change: p.Glu1264fs; shifts the reading frame from glutamic acid 1264.
Molecular consequence: frameshift variant.
Genome position (GRCh38, 1-based): chr14:23,419,546, C deleted on the plus strand (G on the coding strand, the reverse complement: MYH7 is on the minus strand); the first of 2 consecutive C bases (chr14:23,419,546-23,419,547); deleting either gives the same sequence. VCF-style (leftmost placement, unchanged base first): chr14-23419545-TC-T. GRCh37 (hg19) VCF-style: chr14-23888754-TC-T.
Other names: short protein forms E1264fs.
Identifiers: ClinVar variation 1449265 (VCV001449265.8), dbSNP rs2138652434, ClinGen allele CA2573149837.